The following is an entry in ClinVar:

ClinVar aggregate classification (germline): Uncertain significance (1 of 4 stars; one submission).

Conditions:
RASopathy. Also called: Noonan spectrum disorder; rasopathies. Identifiers: Orphanet 536391, MedGen C5555857, MONDO:0021060.

gnomAD v4.1: 3 of 1,614,060 alleles (0.00019%); highest among the groups gnomAD compares: Non-Finnish European, 0.00025%; no homozygotes.

Submission:

Labcorp Genetics (formerly Invitae), Labcorp
Classification: Uncertain significance for RASopathy. Last evaluated: 2025-01-07. Review status: criteria provided, single submitter. Criteria: Invitae Variant Classification Sherloc (09022015). Collection method: clinical testing. Allele origin: germline.
Comment: This sequence change replaces alanine, which is neutral and non-polar, with glycine, which is neutral and non-polar, at codon 415 of the BRAF protein (p.Ala415Gly). This variant is not present in population databases (gnomAD no frequency). This variant has not been reported in the literature in individuals affected with BRAF-related conditions. ClinVar contains an entry for this variant (Variation ID: 2043575). Invitae Evidence Modeling of protein sequence and biophysical properties (such as structural, functional, and spatial information, amino acid conservation, physicochemical variation, residue mobility, and thermodynamic stability) has been performed for this missense variant. However, the output from this modeling did not meet the statistical confidence thresholds required to predict the impact of this variant on BRAF protein function. In summary, the available evidence is currently insufficient to determine the role of this variant in disease. Therefore, it has been classified as a Variant of Uncertain Significance.

NM_004333.6(BRAF):c.1244C>G (p.Ala415Gly)

Gene: BRAF (B-Raf proto-oncogene, serine/threonine kinase; minus strand). Cytogenetic location: 7q34.
Variant type: single nucleotide variant.
Coding change: c.1244C>G on transcript NM_004333.6 (MANE Select); coding-DNA position 1244, C replaced by G.
Protein change: p.Ala415Gly; replaces alanine 415 with glycine.
Molecular consequence: missense variant. On other transcripts: intron variant (1).
Genome position (GRCh38, 1-based): chr7:140,783,091, G>C on the plus strand (C>G on the coding strand, the complement: BRAF is on the minus strand). VCF-style: chr7-140783091-G-C. GRCh37 (hg19) VCF-style: chr7-140482891-G-C.
Other names: c.1244C>G, p.Ala415Gly (NM_001354609.2, NM_001378468.1, NM_001378474.1); c.1364C>G, p.Ala455Gly (NM_001374244.1, NM_001374258.1); c.1253C>G, p.Ala418Gly (NM_001378467.1); c.1178C>G, p.Ala393Gly (NM_001378469.1); c.1142C>G, p.Ala381Gly (NM_001378470.1); c.1088C>G, p.Ala363Gly (NM_001378472.1, NM_001378473.1); c.980C>G, p.Ala327Gly (NM_001378475.1); c.1141-8C>G (NM_001378471.1); short protein forms A327G, A363G, A415G, A381G, A393G, A418G, A455G.
Identifiers: ClinVar variation 2043575 (VCV002043575.4), dbSNP rs2536185919, ClinGen allele CA369589434.